The following is an entry in ClinVar:

ClinVar aggregate classification (germline): Uncertain significance (1 of 4 stars; one submission).

Conditions:
Lethal arthrogryposis-anterior horn cell disease syndrome (CAAHD). Also called: CONGENITAL ARTHROGRYPOSIS WITH ANTERIOR HORN CELL DISEASE. Identifiers: Orphanet 53696, MedGen C5193016, MONDO:0012750, OMIM 611890.

Allele frequency attached by ClinVar (database versions not stated): gnomAD exomes below 0.00001.

Submission:

MVZ Medizinische Genetik Mainz
Classification: Uncertain significance for Lethal arthrogryposis-anterior horn cell disease syndrome. Last evaluated: 2024-01-10. Review status: criteria provided, single submitter. Criteria: UK Practice Guidelines For Variant Classification V4 01 2020. Collection method: clinical testing. Allele origin: germline. Inheritance: Autosomal recessive inheritance. Affected: yes. Observed: 1 variant allele.
Comment: ACMG Criteria: PM2_SUP; Compound Heterozygote

NM_001003722.2(GLE1):c.1902G>A (p.Met634Ile)

Genes: GLE1 (GLE1 RNA export mediator; plus strand), LOC101929270 (uncharacterized LOC101929270; minus strand). Cytogenetic location: 9q34.11.
Variant type: single nucleotide variant.
Coding change: c.1902G>A on transcript NM_001003722.2 (MANE Select); coding-DNA position 1902, G replaced by A.
Protein change: p.Met634Ile; replaces methionine 634 with isoleucine.
Molecular consequence: missense variant.
Genome position (GRCh38, 1-based): chr9:128,539,636, G>A. VCF-style: chr9-128539636-G-A. GRCh37 (hg19) VCF-style: chr9-131301915-G-A.
Other names: c.1929G>A, p.Met643Ile (NM_001411013.1); c.1902G>A, p.Met634Ile (NM_001499.2); short protein forms M634I, M643I.
Identifiers: ClinVar variation 3235207 (VCV003235207.1), dbSNP rs2540647526.